The following is an entry in ClinVar:

NM_000064.4(C3):c.102del (p.Leu34fs)

Gene: C3 (complement C3; minus strand). Cytogenetic location: 19p13.3.
Variant type: Deletion.
Coding change: c.102del on transcript NM_000064.4 (MANE Select); coding-DNA position 102, one base deleted (G; older notation c.102delG).
Protein change: p.Leu34fs; shifts the reading frame from leucine 34.
Molecular consequence: frameshift variant.
Genome position (GRCh38, 1-based): chr19:6,719,376, C deleted on the plus strand (G on the coding strand, the reverse complement: C3 is on the minus strand). VCF-style (leftmost placement, unchanged base first): chr19-6719375-GC-G. GRCh37 (hg19) VCF-style: chr19-6719386-GC-G.
Other names: short protein forms L34fs.
Identifiers: ClinVar variation 1458199 (VCV001458199.6), dbSNP rs2145438216, ClinGen allele CA2573155967.

ClinVar aggregate classification (germline): Pathogenic (1 of 4 stars; one submission).

Submission:

Labcorp Genetics (formerly Invitae), Labcorp
Classification: Pathogenic. Last evaluated: 2021-03-27. Review status: criteria provided, single submitter. Criteria: Invitae Variant Classification Sherloc (09022015). Collection method: clinical testing. Allele origin: germline.
Comment: For these reasons, this variant has been classified as Pathogenic. This variant has not been reported in the literature in individuals with C3-related conditions. This variant is not present in population databases (ExAC no frequency). This sequence change creates a premature translational stop signal (p.Leu34Phefs*34) in the C3 gene. It is expected to result in an absent or disrupted protein product. Loss-of-function variants in C3 are known to be pathogenic (PMID: 12462331, 14639503, 21501302).

Literature cited by the submitters: PubMed 12462331; PubMed 14639503; PubMed 21501302.